The following is an entry in ClinVar:

ClinVar aggregate classification (germline): Pathogenic (1 of 4 stars; one submission).

Conditions:
Alzheimer disease 3 (AD3). Also called: ALZHEIMER DISEASE, FAMILIAL, 3. Identifiers: Orphanet 1020, MedGen C1843013, MONDO:0011913, OMIM 607822.
Frontotemporal dementia (FTD1). Also called: MULTIPLE SYSTEM TAUOPATHY WITH PRESENILE DEMENTIA; FRONTOTEMPORAL LOBAR DEGENERATION WITH TAU INCLUSIONS; FTLD WITH TAU INCLUSIONS; Frontotemporal Dementia with Parkinsonism-17 (FTDP-17); Frontotemporal lobe dementia (FLDEM); FRONTOTEMPORAL DEMENTIA WITH PARKINSONISM. Identifiers: Orphanet 282, MedGen C0338451, MONDO:0017276, OMIM 600274, HP:0002145.
Pick disease. Also called: LOBAR ATROPHY OF BRAIN; DEMENTIA WITH LOBAR ATROPHY AND NEURONAL CYTOPLASMIC INCLUSIONS; Pick Disease of the Brain; PICK DISEASE OF BRAIN; Pick's disease. Identifiers: Orphanet 282, MedGen C0236642, MONDO:0008243, OMIM 172700.
Acne inversa, familial, 3 (ACNINV3). Identifiers: MedGen C3151038, MONDO:0013398, OMIM 613737.

Submission:

Labcorp Genetics (formerly Invitae), Labcorp
Classification: Pathogenic for Alzheimer disease 3; Pick disease; Acne inversa, familial, 3; Frontotemporal dementia. Last evaluated: 2021-04-05. Review status: criteria provided, single submitter. Criteria: Invitae Variant Classification Sherloc (09022015). Collection method: clinical testing. Allele origin: germline.
Comment: For these reasons, this variant has been classified as Pathogenic. Experimental studies have shown that deletion of exon 9 affects PSEN1 protein function (PMID: 16959576). Deletions of exon 9 have been observed in individual(s) with early-onset Alzheimer's disease (PMID: 10502791, 11198283, 10854108). It has also been observed to segregate with disease in related individuals. This variant is a gross deletion of the genomic region encompassing exon(s) 9 of the PSEN1 gene. This variant would be expected to be in-frame, preserving the integrity of the reading frame.

Literature cited by the submitters: PubMed 16959576; PubMed 10502791; PubMed 11198283; PubMed 10854108.

NC_000014.8:g.(?_73673074)_(73673200_?)del

Gene: PSEN1 (presenilin 1; plus strand). Cytogenetic location: 14q24.2.
Variant type: Deletion.
Identifiers: ClinVar variation 1459049 (VCV001459049.9).